The following is an entry in ClinVar:

ClinVar aggregate classification (germline): Uncertain significance (1 of 4 stars; one submission).

Conditions:
Charcot-Marie-Tooth disease type 4. Also called: Charcot-Marie-Tooth disease, type IV; Charcot-Marie-Tooth, Type 4. Identifiers: Orphanet 64749, MedGen C4082197, MONDO:0018995.

Submission:

Labcorp Genetics (formerly Invitae), Labcorp
Classification: Uncertain significance for Charcot-Marie-Tooth disease type 4. Last evaluated: 2022-07-15. Review status: criteria provided, single submitter. Criteria: Invitae Variant Classification Sherloc (09022015). Collection method: clinical testing. Allele origin: germline.
Comment: In summary, the available evidence is currently insufficient to determine the role of this variant in disease. Therefore, it has been classified as a Variant of Uncertain Significance. Algorithms developed to predict the effect of sequence changes on RNA splicing suggest that this variant may disrupt the consensus splice site. Algorithms developed to predict the effect of missense changes on protein structure and function (SIFT, PolyPhen-2, Align-GVGD) all suggest that this variant is likely to be tolerated. This variant has not been reported in the literature in individuals affected with SBF2-related conditions. This variant is not present in population databases (gnomAD no frequency). This sequence change replaces glutamine, which is neutral and polar, with arginine, which is basic and polar, at codon 261 of the SBF2 protein (p.Gln261Arg).

NM_030962.4(SBF2):c.782A>G (p.Gln261Arg)

Gene: SBF2 (SET binding factor 2; minus strand). Cytogenetic location: 11p15.4.
Variant type: single nucleotide variant.
Coding change: c.782A>G on transcript NM_030962.4 (MANE Select); coding-DNA position 782, A replaced by G.
Protein change: p.Gln261Arg; replaces glutamine 261 with arginine.
Molecular consequence: missense variant.
Genome position (GRCh38, 1-based): chr11:10,000,993, T>C on the plus strand (A>G on the coding strand, the complement: SBF2 is on the minus strand). VCF-style: chr11-10000993-T-C. GRCh37 (hg19) VCF-style: chr11-10022540-T-C.
Other names: c.782A>G, p.Gln261Arg (NM_001386339.1, NM_001386342.1); short protein forms Q261R.
Identifiers: ClinVar variation 1964653 (VCV001964653.5), dbSNP rs2496176524, ClinGen allele CA379641906.